The following is an entry in ClinVar:

NM_005732.4(RAD50):c.3297T>A (p.Asp1099Glu)

Gene: RAD50 (RAD50 double strand break repair protein; plus strand). Cytogenetic location: 5q31.1.
Variant type: single nucleotide variant.
Coding change: c.3297T>A on transcript NM_005732.4 (MANE Select); coding-DNA position 3297, T replaced by A.
Protein change: p.Asp1099Glu; replaces aspartic acid 1099 with glutamic acid.
Molecular consequence: missense variant.
Genome position (GRCh38, 1-based): chr5:132,618,202, T>A. VCF-style: chr5-132618202-T-A. GRCh37 (hg19) VCF-style: chr5-131953894-T-A.
Other names: short protein forms D1099E.
Identifiers: ClinVar variation 457441 (VCV000457441.14), dbSNP rs1254356173, ClinGen allele CA360964747.

ClinVar aggregate classification (germline): Uncertain significance. Review status: criteria provided, multiple submitters, no conflicts (2 of 4 stars). 2 submissions from 2 submitters: Uncertain significance (2). Last evaluated 2024-04-22.

Conditions:
Hereditary cancer-predisposing syndrome. Also called: Neoplastic Syndromes, Hereditary; Tumor predisposition; Hereditary Cancer Syndrome; Hereditary neoplastic syndrome. Identifiers: Orphanet 140162, MedGen C0027672, MeSH D009386, MONDO:0015356.

Allele frequency attached by ClinVar (database versions not stated): TOPMed below 0.00001; gnomAD 0.00001.
gnomAD v4.1: 1 of 1,613,846 alleles (0.000062%); highest among the groups gnomAD compares: Non-Finnish European, 0.000085%; no homozygotes.

Submissions (2):

Ambry Genetics
Classification: Uncertain significance for Hereditary cancer-predisposing syndrome. Last evaluated: 2024-04-22. Review status: criteria provided, single submitter. Criteria: Ambry Variant Classification Scheme 2023. Collection method: clinical testing. Allele origin: germline.
Comment: The p.D1099E variant (also known as c.3297T>A), located in coding exon 21 of the RAD50 gene, results from a T to A substitution at nucleotide position 3297. The aspartic acid at codon 1099 is replaced by glutamic acid, an amino acid with highly similar properties. This amino acid position is well conserved in available vertebrate species. In addition, this alteration is predicted to be tolerated by in silico analysis. Since supporting evidence is limited at this time, the clinical significance of this alteration remains unclear.

Labcorp Genetics (formerly Invitae), Labcorp
Classification: Uncertain significance for Hereditary cancer-predisposing syndrome. Last evaluated: 2022-04-21. Review status: criteria provided, single submitter. Criteria: Invitae Variant Classification Sherloc (09022015). Collection method: clinical testing. Allele origin: germline.
Comment: This sequence change replaces aspartic acid, which is acidic and polar, with glutamic acid, which is acidic and polar, at codon 1099 of the RAD50 protein (p.Asp1099Glu). This variant is not present in population databases (gnomAD no frequency). This variant has not been reported in the literature in individuals affected with RAD50-related conditions. ClinVar contains an entry for this variant (Variation ID: 457441). Algorithms developed to predict the effect of missense changes on protein structure and function (SIFT, PolyPhen-2, Align-GVGD) all suggest that this variant is likely to be tolerated. In summary, the available evidence is currently insufficient to determine the role of this variant in disease. Therefore, it has been classified as a Variant of Uncertain Significance.